The following is an entry in ClinVar:

ClinVar aggregate classification (germline): Uncertain significance. Review status: criteria provided, multiple submitters, no conflicts (2 of 4 stars). 2 submissions from 2 submitters: Uncertain significance (2). Last evaluated 2025-12-16.

Conditions:
Inborn genetic diseases. Identifiers: MedGen C0950123, MeSH D030342.

Allele frequency attached by ClinVar (database versions not stated): ExAC 0.00002; gnomAD exomes 0.00001; TOPMed 0.00002; gnomAD 0.00004.
gnomAD v4.1: 22 of 1,209,202 alleles (0.0018%); highest among the groups gnomAD compares: Middle Eastern, 0.023%; no homozygotes.

Submissions (2):

Ambry Genetics
Classification: Uncertain significance for Inborn genetic diseases. Last evaluated: 2025-12-16. Review status: criteria provided, single submitter. Criteria: Ambry Variant Classification Scheme 2023. Collection method: clinical testing. Allele origin: germline.

Labcorp Genetics (formerly Invitae), Labcorp
Classification: Uncertain significance. Last evaluated: 2025-03-27. Review status: criteria provided, single submitter. Criteria: Invitae Variant Classification Sherloc (09022015). Collection method: clinical testing. Allele origin: germline.
Comment: This sequence change replaces valine, which is neutral and non-polar, with methionine, which is neutral and non-polar, at codon 153 of the RS1 protein (p.Val153Met). This variant is present in population databases (rs756084649, gnomAD 0.008%). This variant has not been reported in the literature in individuals affected with RS1-related conditions. ClinVar contains an entry for this variant (Variation ID: 1972721). Invitae Evidence Modeling of protein sequence and biophysical properties (such as structural, functional, and spatial information, amino acid conservation, physicochemical variation, residue mobility, and thermodynamic stability) has been performed for this missense variant. However, the output from this modeling did not meet the statistical confidence thresholds required to predict the impact of this variant on RS1 protein function. This variant disrupts the p.Val153 amino acid residue in RS1. Other variant(s) that disrupt this residue have been observed in individuals with RS1-related conditions (PMID: 25999676, 34865595), which suggests that this may be a clinically significant amino acid residue. In summary, the available evidence is currently insufficient to determine the role of this variant in disease. Therefore, it has been classified as a Variant of Uncertain Significance.

Literature cited by the submitters: PubMed 25999676 (cited by Labcorp Genetics (formerly Invitae), Labcorp); PubMed 34865595 (cited by Labcorp Genetics (formerly Invitae), Labcorp).

NM_000330.4(RS1):c.457G>A (p.Val153Met)

Genes: CDKL5 (cyclin dependent kinase like 5; plus strand), RS1 (retinoschisin 1; minus strand). Cytogenetic location: Xp22.13.
Variant type: single nucleotide variant.
Coding change: c.457G>A on transcript NM_000330.4 (MANE Select); coding-DNA position 457, G replaced by A.
Protein change: p.Val153Met; replaces valine 153 with methionine.
Molecular consequence: missense variant. On other transcripts: intron variant (2).
Genome position (GRCh38, 1-based): chrX:18,644,495, C>T on the plus strand (G>A on the coding strand, the complement: RS1 is on the minus strand). VCF-style: chrX-18644495-C-T. GRCh37 (hg19) VCF-style: chrX-18662615-C-T.
Other names: c.2714-1512C>T (NM_003159.3, NM_001037343.2); short protein forms V153M.
Identifiers: ClinVar variation 1972721 (VCV001972721.4), dbSNP rs756084649, ClinGen allele CA10360638.